The following is an entry in ClinVar:

NM_024989.4(PGAP1):c.2393C>G (p.Ser798Ter)

Gene: PGAP1 (post-GPI attachment to proteins inositol deacylase 1; minus strand). Cytogenetic location: 2q33.1.
Variant type: single nucleotide variant.
Coding change: c.2393C>G on transcript NM_024989.4 (MANE Select); coding-DNA position 2393, C replaced by G.
Protein change: p.Ser798Ter; replaces serine 798 with a stop codon.
Molecular consequence: nonsense.
Genome position (GRCh38, 1-based): chr2:196,844,020, G>C on the plus strand (C>G on the coding strand, the complement: PGAP1 is on the minus strand). VCF-style: chr2-196844020-G-C. GRCh37 (hg19) VCF-style: chr2-197708744-G-C.
Other names: c.1871C>G, p.Ser624Ter (NM_001321099.2); c.1226C>G, p.Ser409Ter (NM_001321100.2); short protein forms S409*, S624*, S798*.
Identifiers: ClinVar variation 2671723 (VCV002671723.1), dbSNP rs1051067702, ClinGen allele CA350184470.
Genomic context (GRCh38, chr2:196,844,020, plus strand): 5'-GTACTGTGCATGCGAAGGCTATCTTCAGCATCGTTGGCAGATAAACGAAGATGGTGTATT[G>C]AGGAGTCTTTATGATGATTGGATTTCTTTTCACTTCTTCTAGAGTGTTTGGGATTCTATA-3'

ClinVar aggregate classification (germline): Likely pathogenic (1 of 4 stars; one submission).

Conditions:
Intellectual disability, autosomal recessive 42 (NEDDSBA). Also called: Neurodevelopmental disorder with dysmorphic features, spasticity, and brain abnormalities; GLYCOSYLPHOSPHATIDYLINOSITOL BIOSYNTHESIS DEFECT 9. Identifiers: Orphanet 88616, MedGen C4014343, MONDO:0014348, OMIM 615802.

Submission:

Neuberg Centre For Genomic Medicine, NCGM
Classification: Likely pathogenic for Intellectual disability, autosomal recessive 42. Last evaluated: 2023-02-14. Review status: criteria provided, single submitter. Criteria: ACMG Guidelines, 2015. Collection method: clinical testing. Allele origin: germline. Inheritance: Autosomal recessive inheritance. Affected: yes.
Comment: The stop gained c.2393C>G(p.Ser798Ter) variant in PGAP1 gene has not been reported previously as a pathogenic variant nor as a benign variant, to our knowledge. The c.2393C>G variant is novel (not in any individuals) in gnomAD Exomes and 1000 Genomes database. This variant has not been reported to the ClinVar database. The nucleotide change c.2393C>G in PGAP1 is predicted as conserved by PhyloP across 100 vertebrates. This variant is predicted to cause loss of normal protein function through protein truncation. Loss of function variants have been previously reported to be disease causing. Functional studies are required to prove pathogenicity of the variant. For these reasons, this variant has been classified as Likely Pathogenic.